The following is an entry in ClinVar:

ClinVar aggregate classification (germline): Uncertain significance (1 of 4 stars; one submission).

Conditions:
DICER1-related tumor predisposition. Also called: DICER1 syndrome; DICER1-related pleuropulmonary blastoma cancer predisposition syndrome. Identifiers: Orphanet 284343, MedGen C3839822, MONDO:0100216.

Allele frequency attached by ClinVar (database versions not stated): ExAC 0.00001.
gnomAD v4.1: 1 of 1,612,296 alleles (0.000062%); highest among the groups gnomAD compares: Admixed American, 0.0017%; no homozygotes.

Submission:

Labcorp Genetics (formerly Invitae), Labcorp
Classification: Uncertain significance for DICER1-related tumor predisposition. Last evaluated: 2023-11-02. Review status: criteria provided, single submitter. Criteria: Invitae Variant Classification Sherloc (09022015). Collection method: clinical testing. Allele origin: germline.
Comment: This sequence change replaces serine, which is neutral and polar, with threonine, which is neutral and polar, at codon 1392 of the DICER1 protein (p.Ser1392Thr). This variant is not present in population databases (gnomAD no frequency). This variant has not been reported in the literature in individuals affected with DICER1-related conditions. ClinVar contains an entry for this variant (Variation ID: 1060746). Advanced modeling of protein sequence and biophysical properties (such as structural, functional, and spatial information, amino acid conservation, physicochemical variation, residue mobility, and thermodynamic stability) performed at Invitae indicates that this missense variant is not expected to disrupt DICER1 protein function with a negative predictive value of 80%. In summary, the available evidence is currently insufficient to determine the role of this variant in disease. Therefore, it has been classified as a Variant of Uncertain Significance.

NM_177438.3(DICER1):c.4175G>C (p.Ser1392Thr)

Gene: DICER1 (dicer 1, ribonuclease III; minus strand). Cytogenetic location: 14q32.13.
Variant type: single nucleotide variant.
Coding change: c.4175G>C on transcript NM_177438.3 (MANE Select); coding-DNA position 4175, G replaced by C.
Protein change: p.Ser1392Thr; replaces serine 1392 with threonine.
Molecular consequence: missense variant.
Genome position (GRCh38, 1-based): chr14:95,099,811, C>G on the plus strand (G>C on the coding strand, the complement: DICER1 is on the minus strand). VCF-style: chr14-95099811-C-G. GRCh37 (hg19) VCF-style: chr14-95566148-C-G.
Other names: c.4175G>C, p.Ser1392Thr (NM_001195573.1, NM_001271282.3, NM_001291628.2 and 1 more transcripts); short protein forms S1392T.
Identifiers: ClinVar variation 1060746 (VCV001060746.10), dbSNP rs751216539, ClinGen allele CA7330938.